The following is an entry in ClinVar:

NM_020975.6(RET):c.1272A>C (p.Lys424Asn)

Gene: RET (ret proto-oncogene; plus strand). Cytogenetic location: 10q11.21.
Variant type: single nucleotide variant.
Coding change: c.1272A>C on transcript NM_020975.6 (MANE Select); coding-DNA position 1272, A replaced by C.
Protein change: p.Lys424Asn; replaces lysine 424 with asparagine.
Molecular consequence: missense variant. On other transcripts: intron variant (15).
Genome position (GRCh38, 1-based): chr10:43,111,215, A>C. VCF-style: chr10-43111215-A-C. GRCh37 (hg19) VCF-style: chr10-43606663-A-C.
Other names: c.834A>C, p.Lys278Asn (NM_001406771.1, NM_001406773.1); c.876A>C, p.Lys292Asn (NM_001406772.1, NM_001406769.1); c.747A>C, p.Lys249Asn (NM_001406774.1); c.546A>C, p.Lys182Asn (NM_001406775.1, NM_001406776.1, NM_001406777.1 and 1 more transcripts); c.282A>C, p.Lys94Asn (NM_001406784.1); c.338-884A>C (NM_001406788.1, NM_001406789.1, NM_001406791.1 and 1 more transcripts); c.74-884A>C (NM_001406794.1, NM_001406792.1, NM_001406793.1); c.510A>C, p.Lys170Asn (NM_001355216.2); and 5 more; short protein forms K381N, K292N, K328N, K94N, K170N, K182N, K249N, K278N.
Identifiers: ClinVar variation 3944660 (VCV003944660.1).

ClinVar aggregate classification (germline): Uncertain significance (1 of 4 stars; one submission).

Conditions:
Hereditary cancer-predisposing syndrome. Also called: Tumor predisposition; Hereditary neoplastic syndrome; Hereditary Cancer Syndrome; Neoplastic Syndromes, Hereditary. Identifiers: Orphanet 140162, MedGen C0027672, MeSH D009386, MONDO:0015356.

Submission:

Ambry Genetics
Classification: Uncertain significance for Hereditary cancer-predisposing syndrome. Last evaluated: 2025-04-30. Review status: criteria provided, single submitter. Criteria: Ambry Variant Classification Scheme 2023. Collection method: clinical testing. Allele origin: germline.
Comment: The p.K424N variant (also known as c.1272A>C), located in coding exon 7 of the RET gene, results from an A to C substitution at nucleotide position 1272. The lysine at codon 424 is replaced by asparagine, an amino acid with similar properties. This amino acid position is well conserved in available vertebrate species. In addition, this alteration is predicted to be tolerated by in silico analysis. Based on the available evidence, the clinical significance of this variant remains unclear.